The following is an entry in ClinVar:

ClinVar aggregate classification (germline): Likely benign. Review status: criteria provided, single submitter (1 of 4 stars). 2 submissions from 2 submitters: Likely benign (1). 1 of the submissions does not count toward it. Last evaluated 2022-06-20.

Conditions:
Bardet-Biedl syndrome (BBS). Identifiers: Orphanet 110, MedGen C0752166, MONDO:0015229.
WDPCP-related disorder. Also called: WDPCP-related condition.

Allele frequency attached by ClinVar (database versions not stated): gnomAD exomes below 0.00001.
gnomAD v4.1: 2 of 1,613,180 alleles (0.00012%); highest among the groups gnomAD compares: Non-Finnish European, 0.00017%; no homozygotes.

Submissions (2):

Labcorp Genetics (formerly Invitae), Labcorp
Classification: Likely benign for Bardet-Biedl syndrome. Last evaluated: 2022-06-20. Review status: criteria provided, single submitter. Criteria: Invitae Variant Classification Sherloc (09022015). Collection method: clinical testing. Allele origin: germline.

PreventionGenetics, part of Exact Sciences
Classification: Likely benign for WDPCP-related condition. Last evaluated: 2024-07-11. Review status: no assertion criteria provided. Collection method: clinical testing. Allele origin: germline. Not counted in ClinVar's aggregate classification.
Comment: This variant is classified as likely benign based on ACMG/AMP sequence variant interpretation guidelines (Richards et al. 2015 PMID: 25741868, with internal and published modifications).

NM_015910.7(WDPCP):c.2211T>C (p.Ser737=)

Gene: WDPCP (WD repeat containing planar cell polarity effector; minus strand). Cytogenetic location: 2p15.
Variant type: single nucleotide variant.
Coding change: c.2211T>C on transcript NM_015910.7 (MANE Select); coding-DNA position 2211, T replaced by C.
Protein change: p.Ser737=; no amino-acid change (serine 737 retained).
Molecular consequence: synonymous variant. On other transcripts: non-coding transcript variant (3).
Genome position (GRCh38, 1-based): chr2:63,122,036, A>G on the plus strand (T>C on the coding strand, the complement: WDPCP is on the minus strand). VCF-style: chr2-63122036-A-G. GRCh37 (hg19) VCF-style: chr2-63349171-A-G.
Other names: c.1734T>C, p.Ser578= (NM_001042692.3); c.2139T>C, p.Ser713= (NM_001354044.2); c.2211T>C (NM_015910.5).
Identifiers: ClinVar variation 1110485 (VCV001110485.10), dbSNP rs1369325564, ClinGen allele CA426378961.